The following is an entry in ClinVar:

ClinVar aggregate classification (germline): Pathogenic (1 of 4 stars; one submission).

Conditions:
Hereditary cancer-predisposing syndrome. Also called: Hereditary Cancer Syndrome; Neoplastic Syndromes, Hereditary; Hereditary neoplastic syndrome; Tumor predisposition. Identifiers: Orphanet 140162, MedGen C0027672, MeSH D009386, MONDO:0015356.

Submission:

Ambry Genetics
Classification: Pathogenic for Hereditary cancer-predisposing syndrome. Last evaluated: 2014-08-29. Review status: criteria provided, single submitter. Criteria: Ambry Variant Classification Scheme 2023. Collection method: clinical testing. Allele origin: germline.
Comment: The c.752delG pathogenic mutation, located in coding exon 6 of the STK11 gene, results from a deletion of one nucleotide at nucleotide position 752, causing a translational frameshift with a predicted alternate stop codon. Since frameshifts are typically deleterious in nature, this alteration is interpreted as a disease-causing mutation (ACMG Recommendations for Standards for Interpretation and Reporting of Sequence Variations. Revision 2007. Genet Med. 2008;10:294).

NM_000455.5(STK11):c.752del (p.Gly251fs)

Gene: STK11 (serine/threonine kinase 11; plus strand). Cytogenetic location: 19p13.3.
Variant type: Deletion.
Coding change: c.752del on transcript NM_000455.5 (MANE Select); coding-DNA position 752, one base deleted (G; older notation c.752delG).
Protein change: p.Gly251fs; shifts the reading frame from glycine 251.
Molecular consequence: frameshift variant.
Genome position (GRCh38, 1-based): chr19:1,221,230, G deleted; the last of 3 consecutive G bases (chr19:1,221,228-1,221,230); deleting any one gives the same sequence. VCF-style (leftmost placement, unchanged base first): chr19-1221227-CG-C. GRCh37 (hg19) VCF-style: chr19-1221226-CG-C.
Other names: c.752delG (NM_000455.4); short protein forms G251fs.
Identifiers: ClinVar variation 428785 (VCV000428785.5), dbSNP rs1131690948, ClinGen allele CA645369778.